The following is an entry in ClinVar:

NM_020778.5(ALPK3):c.5038G>A (p.Ala1680Thr)

Gene: ALPK3 (alpha kinase 3; plus strand). Cytogenetic location: 15q25.3.
Variant type: single nucleotide variant.
Coding change: c.5038G>A on transcript NM_020778.5 (MANE Select); coding-DNA position 5038, G replaced by A.
Protein change: p.Ala1680Thr; replaces alanine 1680 with threonine.
Molecular consequence: missense variant.
Genome position (GRCh38, 1-based): chr15:84,868,376, G>A. VCF-style: chr15-84868376-G-A. GRCh37 (hg19) VCF-style: chr15-85411607-G-A.
Other names: short protein forms A1680T.
Identifiers: ClinVar variation 4982469 (VCV004982469.1).

ClinVar aggregate classification (germline): Uncertain significance (1 of 4 stars; one submission).

Conditions:
ALPK3-related disorder. Also called: ALPK3-related condition.

Submission:

PreventionGenetics, part of Exact Sciences
Classification: Uncertain significance for ALPK3-related condition. Last evaluated: 2025-09-05. Review status: criteria provided, single submitter. Criteria: ACMG Guidelines, 2015. Collection method: clinical testing. Allele origin: germline.
Comment: The ALPK3 c.5644G>A variant is predicted to result in the amino acid substitution p.Ala1882Thr. To our knowledge, this variant has not been reported in the literature or in a large population database (gnomAD), indicating this variant is rare. At this time, the clinical significance of this variant is uncertain due to the absence of conclusive functional and genetic evidence.